The following is an entry in ClinVar:

ClinVar aggregate classification (germline): Uncertain significance. Review status: criteria provided, multiple submitters, no conflicts (2 of 4 stars). 3 submissions from 3 submitters: Uncertain significance (3). Last evaluated 2026-04-23.

Conditions:
Aortic aneurysm, familial thoracic 7 (AAT7). Also called: AORTIC DISSECTION, FAMILIAL, WITH OR WITHOUT AORTIC ANEURYSM. Identifiers: MedGen C3151077, MONDO:0013418, OMIM 613780.
Familial thoracic aortic aneurysm and aortic dissection (TAAD). Also called: Thoracic aortic aneurysms and dissections. Identifiers: Orphanet 91387, MedGen C4707243, MONDO:0019625.

Allele frequency attached by ClinVar (database versions not stated): gnomAD 0.00001; TOPMed below 0.00001.
gnomAD v4.1: 1 of 1,614,022 alleles (0.000062%); highest among the groups gnomAD compares: Non-Finnish European, 0.000085%; no homozygotes.

Submissions (3):

Ambry Genetics
Classification: Uncertain significance for Familial thoracic aortic aneurysm and aortic dissection. Last evaluated: 2026-04-23. Review status: criteria provided, single submitter. Criteria: Ambry Variant Classification Scheme 2023. Collection method: clinical testing. Allele origin: germline.
Comment: The p.Q457E variant (also known as c.1369C>G), located in coding exon 8 of the MYLK gene, results from a C to G substitution at nucleotide position 1369. The glutamine at codon 457 is replaced by glutamic acid, an amino acid with highly similar properties. This amino acid position is conserved. In addition, this alteration is predicted to be tolerated by in silico analysis. Based on the available evidence, the clinical significance of this variant remains unclear.

Labcorp Genetics (formerly Invitae), Labcorp
Classification: Uncertain significance for Aortic aneurysm, familial thoracic 7. Last evaluated: 2025-07-30. Review status: criteria provided, single submitter. Criteria: Invitae Variant Classification Sherloc (09022015). Collection method: clinical testing. Allele origin: germline.
Comment: This sequence change replaces glutamine, which is neutral and polar, with glutamic acid, which is acidic and polar, at codon 457 of the MYLK protein (p.Gln457Glu). This variant is not present in population databases (gnomAD no frequency). This variant has not been reported in the literature in individuals affected with MYLK-related conditions. ClinVar contains an entry for this variant (Variation ID: 1316439). Invitae Evidence Modeling of protein sequence and biophysical properties (such as structural, functional, and spatial information, amino acid conservation, physicochemical variation, residue mobility, and thermodynamic stability) indicates that this missense variant is not expected to disrupt MYLK protein function with a negative predictive value of 95%. In summary, the available evidence is currently insufficient to determine the role of this variant in disease. Therefore, it has been classified as a Variant of Uncertain Significance.

GeneDx
Classification: Uncertain significance. Last evaluated: 2019-11-27. Review status: criteria provided, single submitter. Criteria: GeneDx Variant Classification Process June 2021. Collection method: clinical testing. Allele origin: germline. Affected: yes.
Comment: Has not been previously published as pathogenic or benign to our knowledge; Not observed in large population cohorts (Lek et al., 2016); In silico analysis, which includes protein predictors and evolutionary conservation, supports that this variant does not alter protein structure/function

NM_053025.4(MYLK):c.1369C>G (p.Gln457Glu)

Gene: MYLK (myosin light chain kinase; minus strand). Cytogenetic location: 3q21.1.
Variant type: single nucleotide variant.
Coding change: c.1369C>G on transcript NM_053025.4 (MANE Select); coding-DNA position 1369, C replaced by G.
Protein change: p.Gln457Glu; replaces glutamine 457 with glutamic acid.
Molecular consequence: missense variant. On other transcripts: intron variant (2).
Genome position (GRCh38, 1-based): chr3:123,733,043, G>C on the plus strand (C>G on the coding strand, the complement: MYLK is on the minus strand). VCF-style: chr3-123733043-G-C. GRCh37 (hg19) VCF-style: chr3-123451890-G-C.
Other names: c.841C>G, p.Gln281Glu (NM_001321309.2); c.1369C>G, p.Gln457Glu (NM_053027.4); c.1309+644C>G (NM_053028.4, NM_053026.4); short protein forms Q281E, Q457E.
Identifiers: ClinVar variation 1316439 (VCV001316439.4), dbSNP rs2062541379, ClinGen allele CA354238257.